The following is an entry in ClinVar:

ClinVar aggregate classification (germline): Uncertain significance (1 of 4 stars; one submission).

Conditions:
SEMA3G-related disorder. Also called: SEMA3G-related condition.

Submission:

PreventionGenetics, part of Exact Sciences
Classification: Uncertain significance for SEMA3G-related condition. Last evaluated: 2025-02-26. Review status: criteria provided, single submitter. Criteria: ACMG Guidelines, 2015. Collection method: clinical testing. Allele origin: germline.
Comment: The SEMA3G c.597G>C variant is predicted to result in the amino acid substitution p.Glu199Asp. To our knowledge, this variant has not been reported in the literature or in a large population database (gnomAD), indicating this variant is rare. At this time, the clinical significance of this variant is uncertain due to the absence of conclusive functional and genetic evidence.

NM_020163.3(SEMA3G):c.597G>C (p.Glu199Asp)

Gene: SEMA3G (semaphorin 3G; minus strand). Cytogenetic location: 3p21.1.
Variant type: single nucleotide variant.
Coding change: c.597G>C on transcript NM_020163.3 (MANE Select); coding-DNA position 597, G replaced by C.
Protein change: p.Glu199Asp; replaces glutamic acid 199 with aspartic acid.
Molecular consequence: missense variant.
Genome position (GRCh38, 1-based): chr3:52,441,644, C>G on the plus strand (G>C on the coding strand, the complement: SEMA3G is on the minus strand). VCF-style: chr3-52441644-C-G. GRCh37 (hg19) VCF-style: chr3-52475660-C-G.
Other names: short protein forms E199D.
Identifiers: ClinVar variation 5002395 (VCV005002395.1).